The following is an entry in ClinVar:

NM_001127222.2(CACNA1A):c.6646C>T (p.His2216Tyr)

Gene: CACNA1A (calcium voltage-gated channel subunit alpha1 A; minus strand). Cytogenetic location: 19p13.13.
Variant type: single nucleotide variant.
Coding change: c.6646C>T on transcript NM_001127222.2 (MANE Select); coding-DNA position 6646, C replaced by T.
Protein change: p.His2216Tyr; replaces histidine 2216 with tyrosine.
Molecular consequence: missense variant.
Genome position (GRCh38, 1-based): chr19:13,208,890, G>A on the plus strand (C>T on the coding strand, the complement: CACNA1A is on the minus strand). VCF-style: chr19-13208890-G-A. GRCh37 (hg19) VCF-style: chr19-13319704-G-A.
Other names: c.6664C>T, p.His2222Tyr (NM_000068.4, NM_023035.3); c.6649C>T, p.His2217Tyr (NM_001127221.2); c.6655C>T, p.His2219Tyr (NM_001174080.2); short protein forms H2217Y, H2222Y, H2216Y, H2219Y.
Identifiers: ClinVar variation 426377 (VCV000426377.9), dbSNP rs760470308, ClinGen allele CA9239308.

ClinVar aggregate classification (germline): Uncertain significance. Review status: criteria provided, multiple submitters, no conflicts (2 of 4 stars). 3 submissions from 3 submitters: Uncertain significance (3). Last evaluated 2024-12-05.

Conditions:
Developmental and epileptic encephalopathy, 42 (DEE42A). Also called: DEVELOPMENTAL AND EPILEPTIC ENCEPHALOPATHY 42A; EPILEPTIC ENCEPHALOPATHY, EARLY INFANTILE, 42A; Epileptic encephalopathy, early infantile, 42. Identifiers: MedGen C4310716, MONDO:0014917, OMIM 617106.
Episodic ataxia type 2 (EA2). Also called: ATAXIA, EPISODIC, WITH NYSTAGMUS; ATAXIA, FAMILIAL PAROXYSMAL; CEREBELLAR ATAXIA, PAROXYSMAL, ACETAZOLAMIDE-RESPONSIVE; CEREBELLOPATHY, HEREDITARY PAROXYSMAL; EPISODIC ATAXIA, NYSTAGMUS-ASSOCIATED; ACETAZOLAMIDE-RESPONSIVE HEREDITARY PAROXYSMAL CEREBELLAR ATAXIA. Identifiers: Orphanet 97, MedGen C1720416, MONDO:0007163, OMIM 108500.

Allele frequency attached by ClinVar (database versions not stated): gnomAD exomes 0.00001 and 0.00002; TOPMed 0.00001; gnomAD 0.00002.
gnomAD v4.1: 36 of 1,534,152 alleles (0.0023%); highest among the groups gnomAD compares: Non-Finnish European, 0.003%; no homozygotes.

Submissions (3):

Labcorp Genetics (formerly Invitae), Labcorp
Classification: Uncertain significance for Developmental and epileptic encephalopathy, 42; Episodic ataxia type 2. Last evaluated: 2024-12-05. Review status: criteria provided, single submitter. Criteria: Invitae Variant Classification Sherloc (09022015). Collection method: clinical testing. Allele origin: germline.
Comment: This sequence change replaces histidine, which is basic and polar, with tyrosine, which is neutral and polar, at codon 2217 of the CACNA1A protein (p.His2217Tyr). The frequency data for this variant in the population databases is considered unreliable, as metrics indicate poor data quality at this position in the gnomAD database. This variant has not been reported in the literature in individuals affected with CACNA1A-related conditions. ClinVar contains an entry for this variant (Variation ID: 426377). Invitae Evidence Modeling of protein sequence and biophysical properties (such as structural, functional, and spatial information, amino acid conservation, physicochemical variation, residue mobility, and thermodynamic stability) indicates that this missense variant is not expected to disrupt CACNA1A protein function with a negative predictive value of 95%. In summary, the available evidence is currently insufficient to determine the role of this variant in disease. Therefore, it has been classified as a Variant of Uncertain Significance.

Blueprint Genetics
Classification: Uncertain significance. Last evaluated: 2023-12-28. Review status: criteria provided, single submitter. Criteria: ACMG Guidelines, 2015. Collection method: clinical testing. Allele origin: germline.

GeneDx
Classification: Uncertain significance. Last evaluated: 2023-03-25. Review status: criteria provided, single submitter. Criteria: GeneDx Variant Classification Process June 2021. Collection method: clinical testing. Allele origin: germline. Affected: yes.
Comment: In silico analysis supports that this missense variant does not alter protein structure/function; Has not been previously published as pathogenic or benign to our knowledge